The following is an entry in ClinVar:

ClinVar aggregate classification (germline): Uncertain significance (1 of 4 stars; one submission).

Conditions:
Leigh syndrome (NULS). Also called: Leigh's necrotizing encephalopathy; Leigh's disease; Leigh Syndrome (mtDNA deletion); Leigh Disease; Subacute necrotizing encephalopathy; Necrotizing encephalopathy infantile subacute of Leigh. Identifiers: Orphanet 506, MedGen C2931891, MONDO:0009723, OMIM 256000.

Submission:

Wong Mito Lab, Molecular and Human Genetics, Baylor College of Medicine
Classification: Uncertain significance for Leigh syndrome. Last evaluated: 2019-10-17. Review status: criteria provided, single submitter. Criteria: Modified ACMG Guidelines (Unpublished). Collection method: clinical testing. Allele origin: germline.
Comment: The NC_012920.1:m.8697G>T (YP_003024031.1:p.Met57Ile) variant in MTATP6 gene is interpretated to be a Uncertain Significance variant based on the modified ACMG guidelines (unpublished). This variant meets the following evidence codes: PP4

NC_012920.1(MT-ATP6):m.8697G>T

Gene: MT-ATP6 (mitochondrially encoded ATP synthase 6; plus strand).
Variant type: single nucleotide variant.
Genome position: chrM-8697-G-T.
Identifiers: ClinVar variation 692952 (VCV000692952.1), dbSNP rs879233543, ClinGen allele CA414797501.